The following is an entry in ClinVar:

ClinVar aggregate classification (germline): Likely benign. Review status: criteria provided, single submitter (1 of 4 stars). 2 submissions from 2 submitters: Likely benign (1). 1 of the submissions does not count toward it. Last evaluated 2026-01-25.

Conditions:
TGM1-related disorder. Also called: TGM1-related condition.

Submissions (2):

Labcorp Genetics (formerly Invitae), Labcorp
Classification: Likely benign. Last evaluated: 2026-01-25. Review status: criteria provided, single submitter. Criteria: Invitae Variant Classification Sherloc (09022015). Collection method: clinical testing. Allele origin: germline.

PreventionGenetics, part of Exact Sciences
Classification: Likely benign for TGM1-related condition. Last evaluated: 2020-03-30. Review status: no assertion criteria provided. Collection method: clinical testing. Allele origin: germline. Not counted in ClinVar's aggregate classification.
Comment: This variant is classified as likely benign based on ACMG/AMP sequence variant interpretation guidelines (Richards et al. 2015 PMID: 25741868, with internal and published modifications).

NM_000359.3(TGM1):c.2089-8TC[2]

Gene: TGM1 (transglutaminase 1; minus strand). Cytogenetic location: 14q12.
Variant type: Microsatellite.
Coding change: c.2089-8TC[2] on transcript NM_000359.3 (MANE Select); two copies in a row of the 2-base unit TC starting at c.2089-8; the reference has three copies in a row; one copy, 2 bases deleted.
Molecular consequence: intron variant.
Genome position (GRCh38, 1-based): chr14:24,254,291-24,254,292, GA deleted on the plus strand (TC on the coding strand, the reverse complement: TGM1 is on the minus strand); deleting any 2 consecutive bases within chr14:24,254,291-24,254,296 gives the same sequence; the position shown is the placement nearest the transcript's 3' end. VCF-style (leftmost placement, unchanged base first): chr14-24254290-TGA-T. GRCh37 (hg19) VCF-style: chr14-24723496-TGA-T.
Other names: c.2089-4_2089-3del (NM_000359.2).
Identifiers: ClinVar variation 763195 (VCV000763195.12), dbSNP rs748306488, ClinGen allele CA7130884.
Genomic context (GRCh38, chr14:24,254,290, plus strand): 5'-GGGTTCTTGAAGACAATCTGTACTTCACACTCCTGGCCAACCACTGCTGCTCCCAGTAAC[TGA>T]GAGAAAAAGAGGCCCATCCCCCACGTCAGAGACCCTGGCCAAACACACGGGGACCGTACA-3'